The following is an entry in ClinVar:

NM_003737.4(DCHS1):c.5143GAG[1] (p.Glu1716del)

Gene: DCHS1 (dachsous cadherin-related 1; minus strand). Cytogenetic location: 11p15.4.
Variant type: Microsatellite.
Coding change: c.5143GAG[1] on transcript NM_003737.4 (MANE Select); one copy of the 3-base unit GAG starting at c.5143; the reference has two copies in a row; one copy, 3 bases deleted.
Protein change: p.Glu1716del; deletes glutamic acid 1716.
Molecular consequence: inframe deletion.
Genome position (GRCh38, 1-based): chr11:6,629,465-6,629,467, CTC deleted on the plus strand (GAG on the coding strand, the reverse complement: DCHS1 is on the minus strand); deleting any 3 consecutive bases within chr11:6,629,465-6,629,472 gives the same sequence; the position shown is the placement nearest the transcript's 3' end. VCF-style (leftmost placement, unchanged base first): chr11-6629464-TCTC-T. GRCh37 (hg19) VCF-style: chr11-6650695-TCTC-T.
Other names: short protein forms E1716del.
Identifiers: ClinVar variation 2075610 (VCV002075610.4), dbSNP rs779752801, ClinGen allele CA5860168.

ClinVar aggregate classification (germline): Uncertain significance (1 of 4 stars; one submission).

Submission:

Labcorp Genetics (formerly Invitae), Labcorp
Classification: Uncertain significance. Last evaluated: 2026-01-02. Review status: criteria provided, single submitter. Criteria: Invitae Variant Classification Sherloc (09022015). Collection method: clinical testing. Allele origin: germline.
Comment: This variant, c.5146_5148del, results in the deletion of 1 amino acid(s) of the DCHS1 protein (p.Glu1716del), but otherwise preserves the integrity of the reading frame. This variant is present in population databases (rs779752801, gnomAD 0.0009%). This variant has not been reported in the literature in individuals affected with DCHS1-related conditions. Experimental studies and prediction algorithms are not available or were not evaluated, and the functional significance of this variant is currently unknown. In summary, the available evidence is currently insufficient to determine the role of this variant in disease. Therefore, it has been classified as a Variant of Uncertain Significance.